The following is an entry in ClinVar:

NM_000252.3(MTM1):c.232G>C (p.Asp78His)

Gene: MTM1 (myotubularin 1; plus strand). Cytogenetic location: Xq28.
Variant type: single nucleotide variant.
Coding change: c.232G>C on transcript NM_000252.3 (MANE Select); coding-DNA position 232, G replaced by C.
Protein change: p.Asp78His; replaces aspartic acid 78 with histidine.
Molecular consequence: missense variant. On other transcripts: intron variant (1).
Genome position (GRCh38, 1-based): chrX:150,614,589, G>C. VCF-style: chrX-150614589-G-C. GRCh37 (hg19) VCF-style: chrX-149783062-G-C.
Other names: c.232G>C, p.Asp78His (NM_001376906.1, NM_001376908.1); c.232-4449G>C (NM_001376907.1); short protein forms D78H.
Identifiers: ClinVar variation 1978031 (VCV001978031.5), dbSNP rs1557413087, ClinGen allele CA415249392.

ClinVar aggregate classification (germline): Uncertain significance (1 of 4 stars; one submission).

Conditions:
Severe X-linked myotubular myopathy (CNMX). Also called: MYOTUBULAR MYOPATHY 1; X-linked centronuclear myopathy; Myotubular myopathy, X-linked. Identifiers: Orphanet 596, MedGen C0410203, MONDO:0010683, OMIM 310400.

Allele frequency attached by ClinVar (database versions not stated): gnomAD exomes below 0.00001; gnomAD 0.00001.
gnomAD v4.1: 2 of 1,144,850 alleles (0.00017%); highest among the groups gnomAD compares: African/African-American, 0.0036%; no homozygotes.

Submission:

Labcorp Genetics (formerly Invitae), Labcorp
Classification: Uncertain significance for Severe X-linked myotubular myopathy. Last evaluated: 2022-01-05. Review status: criteria provided, single submitter. Criteria: Invitae Variant Classification Sherloc (09022015). Collection method: clinical testing. Allele origin: germline.
Comment: In summary, the available evidence is currently insufficient to determine the role of this variant in disease. Therefore, it has been classified as a Variant of Uncertain Significance. Algorithms developed to predict the effect of missense changes on protein structure and function are either unavailable or do not agree on the potential impact of this missense change (SIFT: "Tolerated"; PolyPhen-2: "Possibly Damaging"; Align-GVGD: "Class C0"). This variant has not been reported in the literature in individuals affected with MTM1-related conditions. This variant is not present in population databases (gnomAD no frequency). This sequence change replaces aspartic acid, which is acidic and polar, with histidine, which is basic and polar, at codon 78 of the MTM1 protein (p.Asp78His).